The following is an entry in ClinVar:

ClinVar aggregate classification (germline): Pathogenic. Review status: reviewed by expert panel (3 of 4 stars). 3 submissions from 3 submitters: Pathogenic (1). 2 of the submissions do not count toward it. Last evaluated 2024-08-07.

Conditions:
Alpha-actinopathy. Also called: Actinopathy. Identifiers: MedGen CN295279, MONDO:0100084.
Actin accumulation myopathy (CMYO2A). Also called: Nemaline myopathy type 3; Myopathy, actin, congenital, with excess of thin myofilaments; CONGENITAL MYOPATHY 2A, TYPICAL, AUTOSOMAL DOMINANT; Myopathy, actin, congenital, with cores; Nemaline myopathy 3, with intranuclear rods. Identifiers: Orphanet 98904, MedGen C3711389, MONDO:0008070, OMIM 161800.

Submissions (3):

ClinGen Congenital Myopathies Variant Curation Expert Panel, ClinGen
Classification: Pathogenic for Alpha-actinopathy. Last evaluated: 2024-08-07. Review status: reviewed by expert panel. Criteria: ClinGen CongenMyopathy ACMG Specifications ACTA1 AR V1.0.0. Collection method: curation. Allele origin: germline. Inheritance: Autosomal recessive inheritance.
Comment: The NM_001100.4:c.217dup (p.Ile73fs*11) variant in ACTA1 is a frameshift variant that is expected to result in nonsense-mediated mRNA decay and is present in biologically-relevant transcripts (PVS1). The variant is absent from gnomAD v4.1.0 (PM2_Supporting). There is no published data on this variant, however Invitae has reported the variant in one proband, who presented with hypotonia (SCV001201868.3). In addition, this proband carried the variant of interest in trans with a second ACTA1 variant c.782A>T (p.Glu261Val) that has been classified as pathogenic at Invitae (PM3). In summary, this variant meets criteria to be classified as pathogenic for autosomal recessive alpha-actinopathy. ACMG/AMP criteria met, as specified by the congenital myopathies VCEP: PVS1, PM2_Supporting, PM3 (ClinGen Congenital Myopathies VCEP specifications version 1; 08/07/2024).

Labcorp Genetics (formerly Invitae), Labcorp
Classification: Pathogenic for Actin accumulation myopathy. Last evaluated: 2022-08-23. Review status: criteria provided, single submitter. Criteria: Invitae Variant Classification Sherloc (09022015). Collection method: clinical testing. Allele origin: germline. Not counted in ClinVar's aggregate classification.
Comment: This sequence change creates a premature translational stop signal (p.Ile73Asnfs*11) in the ACTA1 gene. It is expected to result in an absent or disrupted protein product. Loss-of-function variants in ACTA1 are known to be pathogenic (PMID: 19562689). This variant is not present in population databases (gnomAD no frequency). This premature translational stop signal has been observed in individual(s) with autosomal recessive ACTA1-related conditions (Invitae). In at least one individual the data is consistent with being in trans (on the opposite chromosome) from a pathogenic variant. ClinVar contains an entry for this variant (Variation ID: 817462). For these reasons, this variant has been classified as Pathogenic.

GeneDx
Classification: Likely pathogenic. Last evaluated: 2019-02-18. Review status: criteria provided, single submitter. Criteria: GeneDx Variant Classification (06012015). Collection method: clinical testing. Allele origin: germline. Affected: yes. Not counted in ClinVar's aggregate classification.
Comment: The c.217dupA variant has not been published as a pathogenic variant, nor has it been reported as a benign variant to our knowledge. The c.217dupA variant is not observed in large population cohorts (Lek et al., 2016). The c.217dupA variant causes a frameshift starting with codon Isoleucine 73, changes this amino acid to an Asparagine residue and creates a premature Stop codon at position 11 of the new reading frame, denoted p.Ile73AsnfsX11. This variant is predicted to cause loss of normal protein function either through protein truncation or nonsense-mediated mRNA decay. Therefore, this variant is likely pathogenic; however, the possibility that it is benign cannot be excluded.

Literature cited by the submitters: PubMed 19562689 (cited by Labcorp Genetics (formerly Invitae), Labcorp).

NM_001100.4(ACTA1):c.217dup (p.Ile73fs)

Gene: ACTA1 (actin alpha 1, skeletal muscle; minus strand). Cytogenetic location: 1q42.13.
Variant type: Duplication.
Coding change: c.217dup on transcript NM_001100.4 (MANE Select); coding-DNA position 217, one base duplicated (A; older notation c.217dupA).
Protein change: p.Ile73fs; shifts the reading frame from isoleucine 73.
Molecular consequence: frameshift variant.
Genome position (GRCh38, 1-based): chr1:229,432,793, T duplicated on the plus strand (A on the coding strand, the reverse complement: ACTA1 is on the minus strand). VCF-style (leftmost placement, unchanged base first): chr1-229432792-A-AT. GRCh37 (hg19) VCF-style: chr1-229568539-A-AT.
Other names: NM_001100.4(ACTA1):c.217dup; p.Ile73fs; c.217dup (NM_001100.3); short protein forms I73fs.
Identifiers: ClinVar variation 817462 (VCV000817462.12), dbSNP rs1571893878, ClinGen allele CA915942047.